The following is an entry in ClinVar:

ClinVar aggregate classification (germline): Likely benign (1 of 4 stars; one submission).

Allele frequency attached by ClinVar (database versions not stated): 1000 Genomes Project 0.00040; 1000 Genomes Project 30x 0.00062; ESP Exome Variant Server 0.00122; gnomAD 0.00148; TOPMed 0.00150; ExAC 0.00160; gnomAD exomes 0.00188.
gnomAD v4.1: 2,816 of 1,545,104 alleles (0.18%); highest among the groups gnomAD compares: Non-Finnish European, 0.23%; 2 homozygotes.

Submission:

CeGaT Center for Human Genetics Tuebingen
Classification: Likely benign. Last evaluated: 2022-11-01. Review status: criteria provided, single submitter. Criteria: CeGaT Center For Human Genetics Tuebingen Variant Classification Criteria Version 2. Collection method: clinical testing. Allele origin: germline. Affected: yes. Observed: 1 variant allele.
Comment: BCL9L: BP4, BP7

NM_001378213.1(BCL9L):c.1365C>T (p.Pro455=)

Gene: BCL9L (BCL9 like; minus strand). Cytogenetic location: 11q23.3.
Variant type: single nucleotide variant.
Coding change: c.1365C>T on transcript NM_001378213.1 (MANE Select); coding-DNA position 1365, C replaced by T.
Protein change: p.Pro455=; no amino-acid change (proline 455 retained).
Molecular consequence: synonymous variant.
Genome position (GRCh38, 1-based): chr11:118,902,378, G>A on the plus strand (C>T on the coding strand, the complement: BCL9L is on the minus strand). VCF-style: chr11-118902378-G-A. GRCh37 (hg19) VCF-style: chr11-118773087-G-A.
Other names: c.1254C>T, p.Pro418= (NM_001378214.1); c.1365C>T, p.Pro455= (NM_182557.4).
Identifiers: ClinVar variation 2642448 (VCV002642448.24), dbSNP rs367909111, ClinGen allele CA6309680.
Genomic context (GRCh38, chr11:118,902,378, plus strand): 5'-CTGTGAAATCATGGACTGCAAGGGTTCCTCATATTTCTTCAGCCCGCTGGGAGGGGCCGT[G>A]GGTGGCTGCTGGGGGGGAGGGGGGGCTTGTGCTGGTGGGCCCCCCTCACCCGCTCCTCCT-3'
Protein context (NP_001365142.1, residues 445-465): AQAPPPPQQP[Pro455=]TAPPSGLKKY